The following is an entry in ClinVar:

NM_016169.4(SUFU):c.1231A>G (p.Thr411Ala)

Gene: SUFU (SUFU negative regulator of hedgehog signaling; plus strand). Cytogenetic location: 10q24.32.
Variant type: single nucleotide variant.
Coding change: c.1231A>G on transcript NM_016169.4 (MANE Select); coding-DNA position 1231, A replaced by G.
Protein change: p.Thr411Ala; replaces threonine 411 with alanine.
Molecular consequence: missense variant.
Genome position (GRCh38, 1-based): chr10:102,617,363, A>G. VCF-style: chr10-102617363-A-G. GRCh37 (hg19) VCF-style: chr10-104377120-A-G.
Other names: c.1231A>G, p.Thr411Ala (NM_001178133.2); short protein forms T411A.
Identifiers: ClinVar variation 2012077 (VCV002012077.5), dbSNP rs2492790084, ClinGen allele CA377915628.

ClinVar aggregate classification (germline): Uncertain significance. Review status: criteria provided, multiple submitters, no conflicts (2 of 4 stars). 2 submissions from 2 submitters: Uncertain significance (2). Last evaluated 2026-07-06.

Conditions:
Gorlin syndrome. Also called: Nevoid Basal Cell Carcinoma Syndrome; Basal cell nevus syndrome. Identifiers: Orphanet 377, MedGen C0004779, MONDO:0007187.
Medulloblastoma (MDB). Also called: Medulloblastoma, somatic; MEDULLOBLASTOMA PREDISPOSITION SYNDROME. Identifiers: Orphanet 616, MedGen C0025149, MeSH D008527, MONDO:0007959, OMIM 155255, HP:0002885.
Hereditary cancer-predisposing syndrome. Also called: Hereditary neoplastic syndrome; Neoplastic Syndromes, Hereditary; Tumor predisposition; Hereditary Cancer Syndrome. Identifiers: Orphanet 140162, MedGen C0027672, MeSH D009386, MONDO:0015356.

Allele frequency attached by ClinVar (database versions not stated): gnomAD exomes below 0.00001.
gnomAD v4.1: 1 of 1,614,222 alleles (0.000062%); highest among the groups gnomAD compares: East Asian, 0.0022%; no homozygotes.

Submissions (2):

Ambry Genetics
Classification: Uncertain significance for Hereditary cancer-predisposing syndrome. Last evaluated: 2026-07-06. Review status: criteria provided, single submitter. Criteria: Ambry Variant Classification Scheme 2023. Collection method: clinical testing. Allele origin: germline.
Comment: The p.T411A variant (also known as c.1231A>G), located in coding exon 10 of the SUFU gene, results from an A to G substitution at nucleotide position 1231. The threonine at codon 411 is replaced by alanine, an amino acid with similar properties. This amino acid position is conserved. In addition, this alteration is predicted to be tolerated by in silico analysis. Based on the available evidence, the clinical significance of this variant remains unclear.

Labcorp Genetics (formerly Invitae), Labcorp
Classification: Uncertain significance for Gorlin syndrome; Medulloblastoma. Last evaluated: 2022-06-29. Review status: criteria provided, single submitter. Criteria: Invitae Variant Classification Sherloc (09022015). Collection method: clinical testing. Allele origin: germline.
Comment: In summary, the available evidence is currently insufficient to determine the role of this variant in disease. Therefore, it has been classified as a Variant of Uncertain Significance. Algorithms developed to predict the effect of missense changes on protein structure and function (SIFT, PolyPhen-2, Align-GVGD) all suggest that this variant is likely to be tolerated. This variant has not been reported in the literature in individuals affected with SUFU-related conditions. This variant is not present in population databases (gnomAD no frequency). This sequence change replaces threonine, which is neutral and polar, with alanine, which is neutral and non-polar, at codon 411 of the SUFU protein (p.Thr411Ala).